The following is an entry in ClinVar:

ClinVar aggregate classification (germline): Uncertain significance (1 of 4 stars; one submission).

Allele frequency attached by ClinVar (database versions not stated): ExAC 0.00001.
gnomAD v4.1: 4 of 1,608,412 alleles (0.00025%); highest among the groups gnomAD compares: Non-Finnish European, 0.00034%; no homozygotes.

Submission:

GeneDx
Classification: Uncertain significance. Last evaluated: 2022-11-23. Review status: criteria provided, single submitter. Criteria: GeneDx Variant Classification Process June 2021. Collection method: clinical testing. Allele origin: germline. Affected: yes.
Comment: Not observed at significant frequency in large population cohorts (gnomAD); In silico analysis supports that this missense variant has a deleterious effect on protein structure/function; Identified as a de novo variant with confirmed parentage in a patient autism spectrum disorder, however additional phenotypic information was not provided (Lim et al., 2017); This variant is associated with the following publications: (PMID: 28714951)

NM_005585.5(SMAD6):c.1168G>A (p.Gly390Ser)

Gene: SMAD6 (SMAD family member 6; plus strand). Cytogenetic location: 15q22.31.
Variant type: single nucleotide variant.
Coding change: c.1168G>A on transcript NM_005585.5 (MANE Select); coding-DNA position 1168, G replaced by A.
Protein change: p.Gly390Ser; replaces glycine 390 with serine.
Molecular consequence: missense variant. On other transcripts: non-coding transcript variant (1).
Genome position (GRCh38, 1-based): chr15:66,781,212, G>A. VCF-style: chr15-66781212-G-A. GRCh37 (hg19) VCF-style: chr15-67073550-G-A.
Other names: short protein forms G390S.
Identifiers: ClinVar variation 2503320 (VCV002503320.1), dbSNP rs770554597, ClinGen allele CA7626742.